The following is an entry in ClinVar:

NM_000393.5(COL5A2):c.337-310A>G

Gene: COL5A2 (collagen type V alpha 2 chain; minus strand). Cytogenetic location: 2q32.2.
Variant type: single nucleotide variant.
Coding change: c.337-310A>G on transcript NM_000393.5 (MANE Select); 310 bases into the intron before coding-DNA position 337, A replaced by G.
Molecular consequence: intron variant.
Genome position (GRCh38, 1-based): chr2:189,100,449, T>C on the plus strand (A>G on the coding strand, the complement: COL5A2 is on the minus strand). VCF-style: chr2-189100449-T-C. GRCh37 (hg19) VCF-style: chr2-189965175-T-C.
Identifiers: ClinVar variation 681247 (VCV000681247.1), dbSNP rs72906375, ClinGen allele CA15214494.

ClinVar aggregate classification (germline): Benign (1 of 4 stars; one submission).

Allele frequency attached by ClinVar (database versions not stated): 1000 Genomes Project 30x 0.12804; TOPMed 0.12943; gnomAD 0.13072 and 0.13243; 1000 Genomes Project 0.13119.
gnomAD v4.1: 20,169 of 151,666 alleles (13%); highest among the groups gnomAD compares: Middle Eastern, 19%; 1,366 homozygotes.

Submission:

GeneDx
Classification: Benign. Last evaluated: 2018-06-14. Review status: criteria provided, single submitter. Criteria: GeneDx Variant Classification (06012015). Collection method: clinical testing. Allele origin: germline. Affected: yes.
Comment: This variant is considered likely benign or benign based on one or more of the following criteria: it is a conservative change, it occurs at a poorly conserved position in the protein, it is predicted to be benign by multiple in silico algorithms, and/or has population frequency not consistent with disease.